The following is an entry in ClinVar:

ClinVar aggregate classification (germline): Uncertain significance. Review status: criteria provided, multiple submitters, no conflicts (2 of 4 stars). 3 submissions from 3 submitters: Uncertain significance (3). Last evaluated 2025-07-22.

Conditions:
Hypertrophic cardiomyopathy. Also called: HYPERTROPHIC MYOCARDIOPATHY. Identifiers: Orphanet 217569, MedGen C0007194, MeSH D002312, MONDO:0005045, HP:0001639.
Cardiovascular phenotype. Identifiers: MedGen CN230736.
Cardiomyopathy (CMYO). Also called: Cardiomyopathies. Identifiers: Orphanet 167848, MedGen C0878544, MONDO:0004994, HP:0001638. Inheritance: Various modes of inheritance.

Submissions (3):

Color Diagnostics, LLC DBA Color Health
Classification: Uncertain significance for Cardiomyopathy. Last evaluated: 2025-07-22. Review status: criteria provided, single submitter. Criteria: ACMG Guidelines, 2015. Collection method: clinical testing. Allele origin: germline.
Comment: This variant causes a C to T nucleotide substitution at the +4 position of intron 8 of the MYBPC3 gene. To our knowledge, functional studies have not been reported for this variant. This variant has not been reported in individuals affected with MYBPC3-related disorders in the literature. This variant has not been identified in the general population by the Genome Aggregation Database (gnomAD). The available evidence is insufficient to determine the role of this variant in disease conclusively. Therefore, this variant is classified as a Variant of Uncertain Significance.

Labcorp Genetics (formerly Invitae), Labcorp
Classification: Uncertain significance for Hypertrophic cardiomyopathy. Last evaluated: 2023-05-14. Review status: criteria provided, single submitter. Criteria: Invitae Variant Classification Sherloc (09022015). Collection method: clinical testing. Allele origin: germline.
Comment: In summary, the available evidence is currently insufficient to determine the role of this variant in disease. Therefore, it has been classified as a Variant of Uncertain Significance. Variants that disrupt the consensus splice site are a relatively common cause of aberrant splicing (PMID: 17576681, 9536098). Algorithms developed to predict the effect of sequence changes on RNA splicing suggest that this variant is not likely to affect RNA splicing. ClinVar contains an entry for this variant (Variation ID: 1763689). This variant has not been reported in the literature in individuals affected with MYBPC3-related conditions. This variant is not present in population databases (gnomAD no frequency). This sequence change falls in intron 8 of the MYBPC3 gene. It does not directly change the encoded amino acid sequence of the MYBPC3 protein. It affects a nucleotide within the consensus splice site.

Ambry Genetics
Classification: Uncertain significance for Cardiovascular phenotype. Last evaluated: 2021-09-20. Review status: criteria provided, single submitter. Criteria: Ambry Variant Classification Scheme 2023. Collection method: clinical testing. Allele origin: germline.
Comment: The c.851+4C>T intronic variant results from a C to T substitution 4 nucleotides after coding exon 8 in the MYBPC3 gene. This nucleotide position is well conserved in available vertebrate species. In silico splice site analysis predicts that this alteration will not have any significant effect on splicing. Since supporting evidence is limited at this time, the clinical significance of this alteration remains unclear.

Literature cited by the submitters: PubMed 17576681 (cited by Labcorp Genetics (formerly Invitae), Labcorp); PubMed 9536098 (cited by Labcorp Genetics (formerly Invitae), Labcorp).

NM_000256.3(MYBPC3):c.851+4C>T

Gene: MYBPC3 (myosin binding protein C3; minus strand). Cytogenetic location: 11p11.2.
Variant type: single nucleotide variant.
Coding change: c.851+4C>T on transcript NM_000256.3 (MANE Select); 4 bases into the intron after coding-DNA position 851, C replaced by T.
Molecular consequence: intron variant.
Genome position (GRCh38, 1-based): chr11:47,347,647, G>A on the plus strand (C>T on the coding strand, the complement: MYBPC3 is on the minus strand). VCF-style: chr11-47347647-G-A. GRCh37 (hg19) VCF-style: chr11-47369198-G-A.
Identifiers: ClinVar variation 1763689 (VCV001763689.6), dbSNP rs2495774599, ClinGen allele CA2580084201.